The following is an entry in ClinVar:

NM_002691.4(POLD1):c.2605T>C (p.Ser869Pro)

Gene: POLD1 (DNA polymerase delta 1, catalytic subunit; plus strand). Cytogenetic location: 19q13.33.
Variant type: single nucleotide variant.
Coding change: c.2605T>C on transcript NM_002691.4 (MANE Select); coding-DNA position 2605, T replaced by C.
Protein change: p.Ser869Pro; replaces serine 869 with proline.
Molecular consequence: missense variant. On other transcripts: non-coding transcript variant (1).
Genome position (GRCh38, 1-based): chr19:50,415,478, T>C. VCF-style: chr19-50415478-T-C. GRCh37 (hg19) VCF-style: chr19-50918735-T-C.
Other names: c.2605T>C, p.Ser869Pro (NM_001256849.1); c.2683T>C, p.Ser895Pro (NM_001308632.1); short protein forms S869P, S895P.
Identifiers: ClinVar variation 3602515 (VCV003602515.1).

ClinVar aggregate classification (germline): Uncertain significance (1 of 4 stars; one submission).

Submission:

GeneDx
Classification: Uncertain significance. Last evaluated: 2024-07-30. Review status: criteria provided, single submitter. Criteria: GeneDx Variant Classification Process June 2021. Collection method: clinical testing. Allele origin: germline. Affected: yes.
Comment: Not observed at significant frequency in large population cohorts (gnomAD); In silico analysis supports that this missense variant has a deleterious effect on protein structure/function; Has not been previously published as pathogenic or benign to our knowledge